The following is an entry in ClinVar:

ClinVar aggregate classification (germline): Uncertain significance. Review status: criteria provided, multiple submitters, no conflicts (2 of 4 stars). 2 submissions from 2 submitters: Uncertain significance (2). Last evaluated 2026-04-22.

Submissions (2):

GeneDx
Classification: Uncertain significance. Last evaluated: 2026-04-22. Review status: criteria provided, single submitter. Criteria: GeneDx Variant Classification Process June 2021. Collection method: clinical testing. Allele origin: germline.
Comment: Not observed at significant frequency in large population cohorts (gnomAD); In silico analysis suggests that this variant does not alter protein structure/function; Has not been previously published as pathogenic or benign to our knowledge

Labcorp Genetics (formerly Invitae), Labcorp
Classification: Uncertain significance. Last evaluated: 2022-07-26. Review status: criteria provided, single submitter. Criteria: Invitae Variant Classification Sherloc (09022015). Collection method: clinical testing. Allele origin: germline.
Comment: This sequence change replaces phenylalanine, which is neutral and non-polar, with glycine, which is neutral and non-polar, at codon 7 of the ISCU protein (p.Phe7Gly). Information on the frequency of this variant in the gnomAD database is not available, as this variant may be reported differently in the database. This variant has not been reported in the literature in individuals affected with ISCU-related conditions. ClinVar contains an entry for this variant (Variation ID: 1351462). Algorithms developed to predict the effect of missense changes on protein structure and function output the following: SIFT: "Not Available"; PolyPhen-2: "Not Available"; Align-GVGD: "Not Available". The glycine amino acid residue is found in multiple mammalian species, which suggests that this missense change does not adversely affect protein function. In summary, the available evidence is currently insufficient to determine the role of this variant in disease. Therefore, it has been classified as a Variant of Uncertain Significance.

NM_213595.4(ISCU):c.19_21delinsGGT (p.Phe7Gly)

Gene: ISCU (iron-sulfur cluster assembly enzyme; plus strand). Cytogenetic location: 12q23.3.
Variant type: Indel.
Coding change: c.19_21delinsGGT on transcript NM_213595.4 (MANE Select); coding-DNA positions 19 to 21, TTC replaced by GGT.
Protein change: p.Phe7Gly; replaces phenylalanine 7 with glycine.
Molecular consequence: missense variant. On other transcripts: 5 prime UTR variant (1), non-coding transcript variant (1).
Genome position (GRCh38, 1-based): chr12:108,562,641-108,562,643, TTC replaced by GGT. VCF-style: chr12-108562641-TTC-GGT. GRCh37 (hg19) VCF-style: chr12-108956417-TTC-GGT.
Other names: c.19_21delinsGGT, p.Phe7Gly (NM_001301140.1, NM_001301141.1, NM_001320042.1); c.-153_-151delinsGGT (NM_014301.4); c.19_21delinsGGT (NM_213595.2); short protein forms F7G.
Identifiers: ClinVar variation 1351462 (VCV001351462.4), dbSNP rs2136708950, ClinGen allele CA2573147964.